The following is an entry in ClinVar:

NM_001048174.2(MUTYH):c.929A>C (p.Gln310Pro)

Gene: MUTYH (mutY DNA glycosylase; minus strand). Cytogenetic location: 1p34.1.
Variant type: single nucleotide variant.
Coding change: c.929A>C on transcript NM_001048174.2 (MANE Select); coding-DNA position 929, A replaced by C.
Protein change: p.Gln310Pro; replaces glutamine 310 with proline.
Molecular consequence: missense variant. On other transcripts: non-coding transcript variant (7).
Genome position (GRCh38, 1-based): chr1:45,331,834, T>G on the plus strand (A>C on the coding strand, the complement: MUTYH is on the minus strand). VCF-style: chr1-45331834-T-G. GRCh37 (hg19) VCF-style: chr1-45797506-T-G.
Other names: c.929A>C, p.Gln310Pro (NM_001048171.2, NM_001048173.2, NM_001407070.1 and 6 more transcripts); c.932A>C, p.Gln311Pro (NM_001048172.2, NM_001407071.1, NM_001407078.1 and 1 more transcripts); c.845A>C, p.Gln282Pro (NM_001407075.1); c.962A>C, p.Gln321Pro (NM_001407077.1, NM_001293191.2, NM_001407069.1); c.890A>C, p.Gln297Pro (NM_001407079.1); c.887A>C, p.Gln296Pro (NM_001407080.1); c.653A>C, p.Gln218Pro (NM_001293192.2, NM_001293196.2, NM_001407091.1); c.584A>C, p.Gln195Pro (NM_001350650.2, NM_001350651.2, NM_001407082.1); and 5 more; short protein forms Q195P, Q282P, Q324P, Q321P, Q335P, Q296P, Q310P, Q311P.
Identifiers: ClinVar variation 4112923 (VCV004112923.1).

ClinVar aggregate classification (germline): Uncertain significance (1 of 4 stars; one submission).

Conditions:
Hereditary cancer-predisposing syndrome. Also called: Tumor predisposition; Neoplastic Syndromes, Hereditary; Hereditary neoplastic syndrome; Hereditary Cancer Syndrome. Identifiers: Orphanet 140162, MedGen C0027672, MeSH D009386, MONDO:0015356.

Submission:

Ambry Genetics
Classification: Uncertain significance for Hereditary cancer-predisposing syndrome. Last evaluated: 2025-08-27. Review status: criteria provided, single submitter. Criteria: Ambry Variant Classification Scheme 2023. Collection method: clinical testing. Allele origin: germline.
Comment: The p.Q338P variant (also known as c.1013A>C), located in coding exon 12 of the MUTYH gene, results from an A to C substitution at nucleotide position 1013. The glutamine at codon 338 is replaced by proline, an amino acid with similar properties. This amino acid position is conserved. In addition, this alteration is predicted to be tolerated by in silico analysis. Based on the available evidence, the clinical significance of this variant remains unclear.